The following is an entry in ClinVar:

NM_001165963.4(SCN1A):c.4414T>C (p.Phe1472Leu)

Genes: SCN1A (sodium voltage-gated channel alpha subunit 1; minus strand), LOC102724058 (uncharacterized LOC102724058; plus strand). Cytogenetic location: 2q24.3.
Variant type: single nucleotide variant.
Coding change: c.4414T>C on transcript NM_001165963.4 (MANE Select); coding-DNA position 4414, T replaced by C.
Protein change: p.Phe1472Leu; replaces phenylalanine 1472 with leucine.
Molecular consequence: missense variant. On other transcripts: non-coding transcript variant (1).
Genome position (GRCh38, 1-based): chr2:165,998,100, A>G on the plus strand (T>C on the coding strand, the complement: SCN1A is on the minus strand). VCF-style: chr2-165998100-A-G. GRCh37 (hg19) VCF-style: chr2-166854610-A-G.
Other names: c.4381T>C, p.Phe1461Leu (NM_001353952.2, NM_006920.6, NM_001353949.2 and 2 more transcripts); c.4378T>C, p.Phe1460Leu (NM_001353954.2, NM_001353955.2); c.4330T>C, p.Phe1444Leu (NM_001353957.2, NM_001353958.2, NM_001165964.3); c.4327T>C, p.Phe1443Leu (NM_001353960.2); c.1972T>C, p.Phe658Leu (NM_001353961.2); c.4414T>C, p.Phe1472Leu (NM_001202435.3, NM_001353948.2); short protein forms F1443L, F1444L, F1472L, F1461L, F1460L, F658L.
Identifiers: ClinVar variation 936781 (VCV000936781.10), dbSNP rs1690331819, ClinGen allele CA349049348.

ClinVar aggregate classification (germline): Likely pathogenic (1 of 4 stars; one submission).

Conditions:
Early-infantile DEE. Also called: Early infantile epileptic encephalopathy; Ohtahara syndrome; Early infantile epileptic encephalopathy with suppression bursts. Identifiers: Orphanet 1934, MedGen C0393706, MONDO:0800491.

Submission:

Labcorp Genetics (formerly Invitae), Labcorp
Classification: Likely pathogenic for Early-infantile DEE. Last evaluated: 2019-09-09. Review status: criteria provided, single submitter. Criteria: Invitae Variant Classification Sherloc (09022015). Collection method: clinical testing. Allele origin: germline.
Comment: In summary, the currently available evidence indicates that the variant is pathogenic, but additional data are needed to prove that conclusively. Therefore, this variant has been classified as Likely Pathogenic. Algorithms developed to predict the effect of missense changes on protein structure and function do not agree on the potential impact of this missense change (SIFT: "Deleterious"; PolyPhen-2: "Possibly Damaging"; Align-GVGD: "Class C15"). This variant identified in the SCN1A gene is located in the transmembrane D3-S6 region of the resulting protein (PMID: 25348405, 18804930), but it is unclear how this variant impacts the function of this protein. This variant is not present in population databases (ExAC no frequency). This sequence change replaces phenylalanine with leucine at codon 1472 of the SCN1A protein (p.Phe1472Leu). The phenylalanine residue is highly conserved and there is a small physicochemical difference between phenylalanine and leucine.

Literature cited by the submitters: PubMed 25348405; PubMed 18804930.